The following is an entry in ClinVar:

NM_000156.6(GAMT):c.463C>T (p.His155Tyr)

Gene: GAMT (guanidinoacetate N-methyltransferase; minus strand). Cytogenetic location: 19p13.3.
Variant type: single nucleotide variant.
Coding change: c.463C>T on transcript NM_000156.6 (MANE Select); coding-DNA position 463, C replaced by T.
Protein change: p.His155Tyr; replaces histidine 155 with tyrosine.
Molecular consequence: missense variant.
Genome position (GRCh38, 1-based): chr19:1,399,023, G>A on the plus strand (C>T on the coding strand, the complement: GAMT is on the minus strand). VCF-style: chr19-1399023-G-A. GRCh37 (hg19) VCF-style: chr19-1399022-G-A.
Other names: c.463C>T, p.His155Tyr (NM_138924.3); short protein forms H155Y.
Identifiers: ClinVar variation 569470 (VCV000569470.9), dbSNP rs1374777721, ClinGen allele CA402994767.

ClinVar aggregate classification (germline): Uncertain significance (1 of 4 stars; one submission).

Conditions:
Cerebral creatine deficiency syndrome. Also called: Creatine deficiency syndromes. Identifiers: Orphanet 79172, MedGen C5244016, MONDO:0000456.

Submission:

Labcorp Genetics (formerly Invitae), Labcorp
Classification: Uncertain significance for Cerebral creatine deficiency syndrome. Last evaluated: 2018-02-13. Review status: criteria provided, single submitter. Criteria: Invitae Variant Classification Sherloc (09022015). Collection method: clinical testing. Allele origin: germline.
Comment: In summary, the available evidence is currently insufficient to determine the role of this variant in disease. Therefore, it has been classified as a Variant of Uncertain Significance. Algorithms developed to predict the effect of missense changes on protein structure and function do not agree on the potential impact of this missense change (SIFT: "Deleterious"; PolyPhen-2: "Benign"; Align-GVGD: "Class C0"). This variant has not been reported in the literature in individuals with GAMT-related disease. This variant is not present in population databases (ExAC no frequency). This sequence change replaces histidine with tyrosine at codon 155 of the GAMT protein (p.His155Tyr). The histidine residue is highly conserved and there is a moderate physicochemical difference between histidine and tyrosine.